The following is an entry in ClinVar:

NM_021067.5(GINS1):c.134C>G (p.Ser45Cys)

Gene: GINS1 (GINS complex subunit 1; plus strand). Cytogenetic location: 20p11.21.
Variant type: single nucleotide variant.
Coding change: c.134C>G on transcript NM_021067.5 (MANE Select); coding-DNA position 134, C replaced by G.
Protein change: p.Ser45Cys; replaces serine 45 with cysteine.
Molecular consequence: missense variant. On other transcripts: non-coding transcript variant (1), intron variant (1).
Genome position (GRCh38, 1-based): chr20:25,413,848, C>G. VCF-style: chr20-25413848-C-G. GRCh37 (hg19) VCF-style: chr20-25394484-C-G.
Other names: c.134C>G, p.Ser45Cys (NM_001410830.1); c.75+5953C>G (NM_001410831.1); short protein forms S45C.
Identifiers: ClinVar variation 2802582 (VCV002802582.3), dbSNP rs751622371, ClinGen allele CA408447128.

ClinVar aggregate classification (germline): Uncertain significance (1 of 4 stars; one submission).

Submission:

Labcorp Genetics (formerly Invitae), Labcorp
Classification: Uncertain significance. Last evaluated: 2023-07-26. Review status: criteria provided, single submitter. Criteria: Invitae Variant Classification Sherloc (09022015). Collection method: clinical testing. Allele origin: germline.
Comment: In summary, the available evidence is currently insufficient to determine the role of this variant in disease. Therefore, it has been classified as a Variant of Uncertain Significance. An algorithm developed to predict the effect of missense changes on protein structure and function (PolyPhen-2) suggests that this variant is likely to be tolerated. This variant has not been reported in the literature in individuals affected with GINS1-related conditions. This variant is present in population databases (no rsID available, gnomAD 0.0009%). This sequence change replaces serine, which is neutral and polar, with cysteine, which is neutral and slightly polar, at codon 45 of the GINS1 protein (p.Ser45Cys).